The following is an entry in ClinVar:

ClinVar aggregate classification (germline): Likely benign. Review status: criteria provided, multiple submitters, no conflicts (2 of 4 stars). 2 submissions from 2 submitters: Likely benign (2). Last evaluated 2025-12-19.

Conditions:
Pontocerebellar hypoplasia type 9. Identifiers: Orphanet 369920, MedGen C4014354, MONDO:0014351, OMIM 615809.
Hereditary spastic paraplegia 63. Also called: Spastic paraplegia 63, autosomal recessive. Identifiers: Orphanet 401805, MedGen C3810295, MONDO:0014305, OMIM 615686.

Allele frequency attached by ClinVar (database versions not stated): TOPMed below 0.00001; gnomAD 0.00001; gnomAD exomes 0.00001.
gnomAD v4.1: 9 of 1,612,774 alleles (0.00056%); highest among the groups gnomAD compares: Non-Finnish European, 0.00076%; no homozygotes.

Submissions (2):

Labcorp Genetics (formerly Invitae), Labcorp
Classification: Likely benign for Pontocerebellar hypoplasia type 9; Hereditary spastic paraplegia 63. Last evaluated: 2025-12-19. Review status: criteria provided, single submitter. Criteria: Invitae Variant Classification Sherloc (09022015). Collection method: clinical testing. Allele origin: germline.

CeGaT Center for Human Genetics Tuebingen
Classification: Likely benign. Last evaluated: 2023-02-01. Review status: criteria provided, single submitter. Criteria: CeGaT Center For Human Genetics Tuebingen Variant Classification Criteria Version 2. Collection method: clinical testing. Allele origin: germline. Affected: yes. Observed: 1 variant allele.
Comment: AMPD2: BP4, BP7

NM_001368809.2(AMPD2):c.96T>C (p.Ala32=)

Gene: AMPD2 (adenosine monophosphate deaminase 2; plus strand). Cytogenetic location: 1p13.3.
Variant type: single nucleotide variant.
Coding change: c.96T>C on transcript NM_001368809.2 (MANE Select); coding-DNA position 96, T replaced by C.
Protein change: p.Ala32=; no amino-acid change (alanine 32 retained).
Molecular consequence: synonymous variant. On other transcripts: 5 prime UTR variant (1), intron variant (1).
Genome position (GRCh38, 1-based): chr1:109,625,307, T>C. VCF-style: chr1-109625307-T-C. GRCh37 (hg19) VCF-style: chr1-110167929-T-C.
Other names: c.258T>C, p.Ala86= (NM_001257360.2); c.-97T>C (NM_001257361.2); c.96T>C, p.Ala32= (NM_004037.9); c.15T>C, p.Ala5= (NM_139156.4); c.160-355T>C (NM_001308170.1).
Identifiers: ClinVar variation 2638983 (VCV002638983.25), dbSNP rs1365588320, ClinGen allele CA419370285.